The following is an entry in ClinVar:

ClinVar aggregate classification (germline): Uncertain significance. Review status: criteria provided, multiple submitters, no conflicts (2 of 4 stars). 2 submissions from 2 submitters: Uncertain significance (2). Last evaluated 2026-04-24.

Conditions:
Inborn genetic diseases. Identifiers: MedGen C0950123, MeSH D030342.
Dyskeratosis congenita, autosomal recessive 6 (DKCB6). Identifiers: MedGen C4225356, MONDO:0014600, OMIM 616353.
Pulmonary fibrosis and/or bone marrow failure, Telomere-related, 4. Also called: PULMONARY FIBROSIS AND/OR BONE MARROW FAILURE SYNDROME, TELOMERE-RELATED, 4. Identifiers: Orphanet 2032, MedGen C4225347, MONDO:0014612, OMIM 616371.

Allele frequency attached by ClinVar (database versions not stated): ExAC 0.00001; gnomAD exomes below 0.00001.

Submissions (2):

Ambry Genetics
Classification: Uncertain significance for Inborn genetic diseases. Last evaluated: 2026-04-24. Review status: criteria provided, single submitter. Criteria: Ambry Variant Classification Scheme 2023. Collection method: clinical testing. Allele origin: germline.

Labcorp Genetics (formerly Invitae), Labcorp
Classification: Uncertain significance for Dyskeratosis congenita, autosomal recessive 6; Pulmonary fibrosis and/or bone marrow failure, Telomere-related, 4. Last evaluated: 2023-08-27. Review status: criteria provided, single submitter. Criteria: Invitae Variant Classification Sherloc (09022015). Collection method: clinical testing. Allele origin: germline.
Comment: In summary, the available evidence is currently insufficient to determine the role of this variant in disease. Therefore, it has been classified as a Variant of Uncertain Significance. Advanced modeling of protein sequence and biophysical properties (such as structural, functional, and spatial information, amino acid conservation, physicochemical variation, residue mobility, and thermodynamic stability) performed at Invitae indicates that this missense variant is not expected to disrupt PARN protein function. ClinVar contains an entry for this variant (Variation ID: 1047330). This variant has not been reported in the literature in individuals affected with PARN-related conditions. This variant is present in population databases (rs778885248, gnomAD 0.003%). This sequence change replaces arginine, which is basic and polar, with glycine, which is neutral and non-polar, at codon 140 of the PARN protein (p.Arg140Gly).

NM_002582.4(PARN):c.418A>G (p.Arg140Gly)

Gene: PARN (poly(A)-specific ribonuclease; minus strand). Cytogenetic location: 16p13.12.
Variant type: single nucleotide variant.
Coding change: c.418A>G on transcript NM_002582.4 (MANE Select); coding-DNA position 418, A replaced by G.
Protein change: p.Arg140Gly; replaces arginine 140 with glycine.
Molecular consequence: missense variant.
Genome position (GRCh38, 1-based): chr16:14,610,780, T>C on the plus strand (A>G on the coding strand, the complement: PARN is on the minus strand). VCF-style: chr16-14610780-T-C. GRCh37 (hg19) VCF-style: chr16-14704637-T-C.
Other names: c.418A>G (NM_002582.3); c.235A>G, p.Arg79Gly (NM_001134477.3); c.280A>G, p.Arg94Gly (NM_001242992.2); short protein forms R140G, R79G, R94G.
Identifiers: ClinVar variation 1047330 (VCV001047330.12), dbSNP rs778885248, ClinGen allele CA7912418.
Genomic context (GRCh38, chr16:14,610,780, plus strand): 5'-ACAGAGCTCCTGCACCATTCGCCTGTGAACGTTTTTCATCATACTGCTCTCTTAACTGTC[T>C]TTCTTCTTCCTGATTTAAATATGGAATTCCTAAACACGATTTTAAAAAGAATGCATTAGC-3'
Protein context (NP_002573.1, residues 130-150): GIPYLNQEEE[Arg140Gly]QLREQYDEKR